The following continues an entry in ClinVar:

NM_000548.5(TSC2):c.2714G>A (p.Arg905Gln)

Gene: TSC2. ClinVar aggregate classification (germline): Pathogenic/Likely pathogenic. Pathogenic (14); Likely pathogenic (2).

Submissions 9 to 19 of 19:

Myriad Genetics, Inc.
Classification: Likely pathogenic for Tuberous sclerosis 2. Last evaluated: 2023-07-18. Review status: criteria provided, single submitter. Criteria: Myriad Autosomal Dominant, Autosomal Recessive and X-Linked Classification Criteria (2023). Collection method: clinical testing. Allele origin: unknown.
Comment: This variant is considered likely pathogenic. This variant has been reported in multiple individuals with clinical features of gene-specific disease [PMID: 17120248, 9829910, 29659200, 25432535].

Ambry Genetics
Classification: Pathogenic for Hereditary cancer-predisposing syndrome. Last evaluated: 2023-06-05. Review status: criteria provided, single submitter. Criteria: Ambry Variant Classification Scheme 2023. Collection method: clinical testing. Allele origin: germline.
Comment: The p.R905Q pathogenic mutation (also known as c.2714G>A), located in coding exon 23 of the TSC2 gene, results from a G to A substitution at nucleotide position 2714. The arginine at codon 905 is replaced by glutamine, an amino acid with highly similar properties.The p.R905Q mutation and two additional mutations at codon 905 (p.R905W and p.R905G) have been reported in numerous TSC families to date (Stenson et al. The Human Gene Mutation Database (HGMD&reg;): 2003 Update. Hum Mutat. 2003;21:577-581). In one large study of TSC2 codon 905 alterations, p.R905Q was associated with a milder clinical presentation compared to p.R905W and p.R905G (Jansen AC et al. Ann. Neurol. 2006 Nov;60(5):528-39). Phenotype data from 40 p.R905Q-carriers across 6 families revealed the following frequency of clinical features: skin lesions (95%), seizures/epilepsy (67%), brain lesions (50%), cognitive impairment (18%), renal lesions (15%), and rhabdomyoma (7%). In one large kindred, of 12 p.R905Q-positive individuals with thorough diagnostic workup: 5 had definite TSC, 4 probable TSC, 1 possible TSC, and 2 did not satisfy TSC diagnostic criteria. Functional analyses have shown that, despite allowing proper tuberin-hamartin formation, the p.R905Q mutation impairs S6K phosphorylation inhibition compared to wild type TSC2 which may lead to more mild presentation of symptoms (Nellist M et al. Hum. Mol. Genet. 2001 Dec;10(25):2889-98; Hoogeveen-Westerveld M et al. Hum. Mutat. 2011 Apr;32(4):424-35; Wentink M et al. Clin. Genet. 2012 May;81:453-61). Based on the available evidence, p.R905Q is classified as a pathogenic mutation associated with reduced penetrance compared to other TSC2 mutations.

GeneDx
Classification: Pathogenic. Last evaluated: 2023-03-14. Review status: criteria provided, single submitter. Criteria: GeneDx Variant Classification Process June 2021. Collection method: clinical testing. Allele origin: germline. Affected: yes.
Comment: While some individuals with the R905Q variant are reported to meet clinical diagnostic criteria for definite TSC, others have been reported to have a milder clinical presentation characterized primarily by the presence of skin findings with or without epilepsy (Jansen et al., 2006; Wentink et al., 2011; van Eeghen et al. 2013); Published functional studies demonstrate a damaging effect: disrupts the activity of the TSC1-TSC2 binding complex, without disrupting the TSC1-TSC2 binding, which may explain a milder phenotype (Hoogeveen-Westerveld et al., 2011; Jansen et al., 2006); In silico analysis supports that this missense variant has a deleterious effect on protein structure/function; Not observed at significant frequency in large population cohorts (gnomAD); This variant is associated with the following publications: (PMID: 15483652, 15798777, 22867869, 11741832, 21332470, 10533067, 16464865, 15963462, 29655203, 25432535, 11112665, 9829910, 17120248, 21309039, 30787465, 31440721, 32917966)

Genome-Nilou Lab
Classification: Pathogenic for Tuberous sclerosis 2. Last evaluated: 2021-11-07. Review status: criteria provided, single submitter. Criteria: ACMG Guidelines, 2015. Collection method: clinical testing. Allele origin: germline. Affected: no.

Fulgent Genetics
Classification: Pathogenic for Lymphangiomyomatosis; Isolated focal cortical dysplasia type II; Tuberous sclerosis 2. Last evaluated: 2021-09-09. Review status: criteria provided, single submitter. Criteria: ACMG Guidelines, 2015. Collection method: clinical testing. Allele origin: unknown.

Breakthrough Genomics
Classification: Pathogenic for Tuberous sclerosis 2. Last evaluated: 2021-07-08. Review status: criteria provided, single submitter. Criteria: ACMG Guidelines, 2015. Collection method: clinical testing. Allele origin: germline. Affected: yes.
Comment: This variant was previously reported in patients diagnosed with tuberous sclerosis complex (TSC) and reported to segregate with the disease in several families [PMID: 17120248, 22867869, 25432535, 9829910]. Functional studies demonstrate that this variant results in decreased TSC2 activity and destabilize the protein due to increased HERC1 binding and ubiquitination [PMID: 21309039, 16464865]. It disrupts the activity of the TSC1-TSC2 binding complex without disrupting the TSC1-TSC2 binding [PMID:11741832, 21332470, 15963462].

Division of Genomic Medicine, Department of Advanced Medicine, Medical Research Institute, Kanazawa Medical University
Classification: Pathogenic for Tuberous sclerosis 2. Last evaluated: 2020-07-10. Review status: criteria provided, single submitter. Criteria: ACMG Guidelines, 2015. Collection method: clinical testing. Allele origin: germline. Affected: yes. Observed: 1 variant allele.

Solve-RD Consortium
Classification: Pathogenic for Tuberous sclerosis 2. Review status: criteria provided, single submitter. Criteria: ACMG Guidelines, 2015. Collection method: provider interpretation. Allele origin: germline. Inheritance: Autosomal dominant inheritance. Affected: yes. Study: Solve-RD DIFT-EpiCARE reanalysis.
Comment: PS3, PM5, PP3, PM1, PM2

Variant identified during reanalysis of unsolved cases by the Solve-RD project. The Solve-RD project has received funding from the European Union’s Horizon 2020 research and innovation programme under grant agreement No 779257.

OMIM
Classification: Pathogenic for TUBEROUS SCLEROSIS 2. Last evaluated: 2006-11-01. Review status: no assertion criteria provided. Collection method: literature only. Allele origin: germline. Not counted in ClinVar's aggregate classification.

GeneReviews
No classification provided. Condition: Tuberous sclerosis 2. Review status: no classification provided. Collection method: literature only. Allele origin: germline. Not counted in ClinVar's aggregate classification.

Tuberous sclerosis database (TSC2)
No classification provided. Condition: TSC. Review status: no classification provided. Criteria: Tuberous Sclerosis Database Assertion Criteria 2015. Collection method: curation. Allele origin: germline. Affected: yes. Not counted in ClinVar's aggregate classification.

Literature cited by the submitters: PubMed 9829910 (cited by 3 submitters); PubMed 17120248 (cited by 5 submitters); PubMed 22867869 (cited by 3 submitters); PubMed 25432535 (cited by 3 submitters); PubMed 16464865 (cited by Labcorp Genetics (formerly Invitae), Labcorp and All of Us Research Program, National Institutes of Health); PubMed 21309039 (cited by 3 submitters); PubMed 11112665 (cited by All of Us Research Program, National Institutes of Health); PubMed 15483652 (cited by All of Us Research Program, National Institutes of Health); PubMed 20301399 (cited by All of Us Research Program, National Institutes of Health); PubMed 21332470 (cited by All of Us Research Program, National Institutes of Health and Ambry Genetics); PubMed 29659200 (cited by Myriad Genetics, Inc.); PubMed 10533067 (cited by Ambry Genetics); PubMed 11741832 (cited by Ambry Genetics); PubMed 12015165 (cited by Ambry Genetics).